The following is an entry in ClinVar:

Conditions:
Long QT syndrome 5 (LQT5). Identifiers: Orphanet 101016, Orphanet 768, MedGen C1867904, MONDO:0013372, OMIM 613695.

Submission:

Roden Lab, Vanderbilt University Medical Center
No classification provided (evidence only). Condition: Long QT syndrome 5. Review status: no classification provided. Collection method: in vitro. Allele origin: not applicable. Functional consequence: Effect on ion channel function.
ClinVar note: "not provided" was previously submitted as the classification for the variant. However, the classification appeared to be based only on an observation of functional data so it was converted to no classification on 2025-07-30.

NM_000219.6(KCNE1):c.25G>C (p.Val9Leu)

Gene: KCNE1 (potassium voltage-gated channel subfamily E regulatory subunit 1; minus strand). Cytogenetic location: 21q22.12.
Variant type: single nucleotide variant.
Coding change: c.25G>C on transcript NM_000219.6 (MANE Select); coding-DNA position 25, G replaced by C.
Protein change: p.Val9Leu; replaces valine 9 with leucine.
Molecular consequence: missense variant.
Genome position (GRCh38, 1-based): chr21:34,449,610, C>G on the plus strand (G>C on the coding strand, the complement: KCNE1 is on the minus strand). VCF-style: chr21-34449610-C-G. GRCh37 (hg19) VCF-style: chr21-35821908-C-G.
Other names: c.25G>C, p.Val9Leu (NM_001127668.4, NM_001127669.4, NM_001127670.4 and 4 more transcripts); short protein forms V9L.
Identifiers: ClinVar variation 3374445 (VCV003374445.2).